The following is an entry in ClinVar:

ClinVar aggregate classification (germline): Uncertain significance (1 of 4 stars; one submission).

Conditions:
Hereditary cancer-predisposing syndrome. Also called: Tumor predisposition; Hereditary neoplastic syndrome; Hereditary Cancer Syndrome; Neoplastic Syndromes, Hereditary. Identifiers: Orphanet 140162, MedGen C0027672, MeSH D009386, MONDO:0015356.

Submission:

Ambry Genetics
Classification: Uncertain significance for Hereditary cancer-predisposing syndrome. Last evaluated: 2025-05-12. Review status: criteria provided, single submitter. Criteria: Ambry Variant Classification Scheme 2023. Collection method: clinical testing. Allele origin: germline.
Comment: The c.707_708ins24 variant (also known as p.G237_P244dup), located in coding exon 3 of the SMARCA4 gene, results from an in-frame 24 nucleotide insertion (AGGCCCCGGCCCGGGTCCCGGCCC) at nucleotide positions 707 to 708. This results in the duplication of residues between codons 237 and 244. In addition, the in silico prediction for this variant is inconclusive (Choi Y et al. PLoS ONE. 2012; 7(10):e46688). Based on the available evidence, the clinical significance of this variant remains unclear.

NM_003072.5(SMARCA4):c.707_708insAGGCCCCGGCCCGGGTCCCGGCCC (p.Pro244_Ala245insGlyProGlyProGlyProGlyPro)

Gene: SMARCA4 (SWI/SNF related BAF chromatin remodeling complex subunit ATPase 4; plus strand). Cytogenetic location: 19p13.2.
Variant type: Insertion.
Coding change: c.707_708insAGGCCCCGGCCCGGGTCCCGGCCC on transcript NM_003072.5 (MANE Select); coding-DNA positions 707 to 708, AGGCCCCGGCCCGGGTCCCGGCCC inserted.
Protein change: p.Pro244_Ala245insGlyProGlyProGlyProGlyPro.
Molecular consequence: non-coding transcript variant (on NR_164683.1).
Genome position: GRCh38 VCF-style: chr19-10986535-T-TGGCCCAGGCCCCGGCCCGGGTCCC. GRCh37 (hg19) VCF-style: chr19-11097211-T-TGGCCCAGGCCCCGGCCCGGGTCCC.
Other names: c.707_708insAGGCCCCGGCCCGGGTCCCGGCCC, p.Pro244_Ala245insGlyProGlyProGlyProGlyPro (NM_001128844.3, NM_001128845.2, NM_001128846.2 and 6 more transcripts).
Identifiers: ClinVar variation 3958464 (VCV003958464.1).
Genomic context (GRCh38, chr19:10,986,535, plus strand): 5'-GCAGCAGATGCCAACGCTACCTCCACCCTCGGTGTCCGCAACAGGACCCGGCCCTGGCCC[T>TGGCCCAGGCCCCGGCCCGGGTCCC]GGCCCTGGCCCCGGCCCGGGTCCCGGCCCGGCACCTCCAAATTACAGCAGGCCTCATGGT-3'